The following is an entry in ClinVar:

ClinVar aggregate classification (germline): Uncertain significance (1 of 4 stars; one submission).

gnomAD v4.1: 6 of 1,610,792 alleles (0.00037%); highest among the groups gnomAD compares: African/African-American, 0.0013%; no homozygotes.

Submission:

Labcorp Genetics (formerly Invitae), Labcorp
Classification: Uncertain significance. Last evaluated: 2026-01-13. Review status: criteria provided, single submitter. Criteria: Invitae Variant Classification Sherloc (09022015). Collection method: clinical testing. Allele origin: germline.
Comment: This sequence change replaces arginine, which is basic and polar, with histidine, which is basic and polar, at codon 1482 of the MTOR protein (p.Arg1482His). The frequency data for this variant in the population databases is considered unreliable, as metrics indicate poor data quality at this position in the gnomAD database. This variant has not been reported in the literature in individuals affected with MTOR-related conditions. Invitae Evidence Modeling of protein sequence and biophysical properties (such as structural, functional, and spatial information, amino acid conservation, physicochemical variation, residue mobility, and thermodynamic stability) indicates that this missense variant is not expected to disrupt MTOR protein function with a negative predictive value of 95%. In summary, the available evidence is currently insufficient to determine the role of this variant in disease. Therefore, it has been classified as a Variant of Uncertain Significance.

NM_004958.4(MTOR):c.4445G>A (p.Arg1482His)

Gene: MTOR (mechanistic target of rapamycin kinase; minus strand). Cytogenetic location: 1p36.22.
Variant type: single nucleotide variant.
Coding change: c.4445G>A on transcript NM_004958.4 (MANE Select); coding-DNA position 4445, G replaced by A.
Protein change: p.Arg1482His; replaces arginine 1482 with histidine.
Molecular consequence: missense variant.
Genome position (GRCh38, 1-based): chr1:11,157,176, C>T on the plus strand (G>A on the coding strand, the complement: MTOR is on the minus strand). VCF-style: chr1-11157176-C-T. GRCh37 (hg19) VCF-style: chr1-11217233-C-T.
Other names: c.4445G>A, p.Arg1482His (NM_001386500.1); c.3197G>A, p.Arg1066His (NM_001386501.1); short protein forms R1066H, R1482H.
Identifiers: ClinVar variation 4766661 (VCV004766661.1).